The following is an entry in ClinVar:

ClinVar aggregate classification (germline): Conflicting classifications of pathogenicity. Review status: criteria provided, conflicting classifications (1 of 4 stars). 5 submissions from 5 submitters: Uncertain significance (1); Likely benign (4). Last evaluated 2026-04-01.

Conditions:
Tyrosinase-positive oculocutaneous albinism (OCA2). Also called: Oculocutaneous albinism type 2; Albinism, oculocutaneous, type II; ALBINISM II. Identifiers: Orphanet 79432, MedGen C0268495, MONDO:0008746, OMIM 203200.

Allele frequency attached by ClinVar (database versions not stated): gnomAD 0.00006 and 0.00007; ESP Exome Variant Server 0.00008; TOPMed 0.00008.
gnomAD v4.1: 103 of 1,613,854 alleles (0.0064%); highest among the groups gnomAD compares: Non-Finnish European, 0.0081%; no homozygotes.

Submissions (5):

CeGaT Center for Human Genetics Tuebingen
Classification: Likely benign. Last evaluated: 2026-04-01. Review status: criteria provided, single submitter. Criteria: CeGaT Center For Human Genetics Tuebingen Variant Classification Criteria Version 2. Collection method: clinical testing. Allele origin: germline. Affected: yes. Observed: 2 variant alleles.
Comment: OCA2: BP4, BP7

Labcorp Genetics (formerly Invitae), Labcorp
Classification: Likely benign. Last evaluated: 2026-01-25. Review status: criteria provided, single submitter. Criteria: Invitae Variant Classification Sherloc (09022015). Collection method: clinical testing. Allele origin: germline.

Blueprint Genetics
Classification: Likely benign. Last evaluated: 2024-10-30. Review status: criteria provided, single submitter. Criteria: ACMG Guidelines, 2015. Collection method: clinical testing. Allele origin: germline.

Genome-Nilou Lab
Classification: Likely benign for Tyrosinase-positive oculocutaneous albinism. Last evaluated: 2021-11-07. Review status: criteria provided, single submitter. Criteria: ACMG Guidelines, 2015. Collection method: clinical testing. Allele origin: germline. Affected: no.

Illumina Laboratory Services, Illumina
Classification: Uncertain significance for Tyrosinase-positive oculocutaneous albinism. Last evaluated: 2018-01-12. Review status: criteria provided, single submitter. Criteria: ICSL Variant Classification Criteria 13 December 2019. Collection method: clinical testing. Allele origin: germline.

NM_000275.3(OCA2):c.2043C>G (p.Thr681=)

Gene: OCA2 (OCA2 melanosomal transmembrane protein; minus strand). Cytogenetic location: 15q13.1.
Variant type: single nucleotide variant.
Coding change: c.2043C>G on transcript NM_000275.3 (MANE Select); coding-DNA position 2043, C replaced by G.
Protein change: p.Thr681=; no amino-acid change (threonine 681 retained).
Molecular consequence: synonymous variant.
Genome position (GRCh38, 1-based): chr15:27,926,163, G>C on the plus strand (C>G on the coding strand, the complement: OCA2 is on the minus strand). VCF-style: chr15-27926163-G-C. GRCh37 (hg19) VCF-style: chr15-28171309-G-C.
Other names: c.1971C>G, p.Thr657= (NM_001300984.2).
Identifiers: ClinVar variation 756051 (VCV000756051.24), dbSNP rs368126732, ClinGen allele CA7438789.